The following is an entry in ClinVar:

NM_000059.4(BRCA2):c.6400A>C (p.Asn2134His)

Gene: BRCA2 (BRCA2 DNA repair associated; plus strand). Cytogenetic location: 13q13.1.
Variant type: single nucleotide variant.
Coding change: c.6400A>C on transcript NM_000059.4 (MANE Select); coding-DNA position 6400, A replaced by C.
Protein change: p.Asn2134His; replaces asparagine 2134 with histidine.
Molecular consequence: missense variant.
Genome position (GRCh38, 1-based): chr13:32,340,755, A>C. VCF-style: chr13-32340755-A-C. GRCh37 (hg19) VCF-style: chr13-32914892-A-C.
Other names: short protein forms N2134H.
Identifiers: ClinVar variation 923967 (VCV000923967.18), dbSNP rs1434431480, ClinGen allele CA387789233.
Genomic context (GRCh38, chr13:32,340,755, plus strand): 5'-CCAGAGCACTGTGTAAACTCAGAAATGGAAAAAACCTGCAGTAAAGAATTTAAATTATCA[A>C]ATAACTTAAATGTTGAAGGTGGTTCTTCAGAAAATAATCACTCTATTAAAGTTTCTCCAT-3'
Protein context (NP_000050.3, residues 2124-2144): KTCSKEFKLS[Asn2134His]NLNVEGGSSE

ClinVar aggregate classification (germline): Conflicting classifications of pathogenicity. Review status: criteria provided, conflicting classifications (1 of 4 stars). 5 submissions from 5 submitters: Uncertain significance (4); Likely benign (1). Last evaluated 2026-07-02.

Conditions:
Hereditary breast ovarian cancer syndrome. Also called: Hereditary breast and ovarian cancer syndrome; Hereditary breast and/or ovarian cancer syndrome; Breast and ovarian cancer; BRCA1- and BRCA2-Associated Hereditary Breast and Ovarian Cancer; Hereditary breast and ovarian cancer; Hereditary breast and ovarian cancer syndrome (HBOC). Identifiers: Orphanet 145, MedGen C0677776, MeSH D061325, MONDO:0003582. Disease mechanism: loss of function.
Hereditary cancer-predisposing syndrome. Also called: Neoplastic Syndromes, Hereditary; Hereditary Cancer Syndrome; Tumor predisposition; Hereditary neoplastic syndrome. Identifiers: Orphanet 140162, MedGen C0027672, MeSH D009386, MONDO:0015356.

Allele frequency attached by ClinVar (database versions not stated): gnomAD exomes below 0.00001.
gnomAD v4.1: 2 of 1,604,540 alleles (0.00012%); highest among the groups gnomAD compares: South Asian, 0.0022%; no homozygotes.

Submissions (5):

Ambry Genetics
Classification: Uncertain significance for Hereditary cancer-predisposing syndrome. Last evaluated: 2026-07-02. Review status: criteria provided, single submitter. Criteria: Ambry Variant Classification Scheme 2023. Collection method: clinical testing. Allele origin: germline.
Comment: The p.N2134H variant (also known as c.6400A>C), located in coding exon 10 of the BRCA2 gene, results from an A to C substitution at nucleotide position 6400. The asparagine at codon 2134 is replaced by histidine, an amino acid with similar properties. This amino acid position is conserved. In addition, this alteration is predicted to be tolerated by in silico analysis. Based on the available evidence, the clinical significance of this variant remains unclear.

Labcorp Genetics (formerly Invitae), Labcorp
Classification: Uncertain significance for Hereditary breast ovarian cancer syndrome. Last evaluated: 2025-12-02. Review status: criteria provided, single submitter. Criteria: Invitae Variant Classification Sherloc (09022015). Collection method: clinical testing. Allele origin: germline.
Comment: This sequence change replaces asparagine, which is neutral and polar, with histidine, which is basic and polar, at codon 2134 of the BRCA2 protein (p.Asn2134His). This variant is present in population databases (no rsID available, gnomAD 0.004%). This variant has not been reported in the literature in individuals affected with BRCA2-related conditions. ClinVar contains an entry for this variant (Variation ID: 923967). Invitae Evidence Modeling of protein sequence and biophysical properties (such as structural, functional, and spatial information, amino acid conservation, physicochemical variation, residue mobility, and thermodynamic stability) indicates that this missense variant is not expected to disrupt BRCA2 protein function with a negative predictive value of 95%. In summary, the available evidence is currently insufficient to determine the role of this variant in disease. Therefore, it has been classified as a Variant of Uncertain Significance.

Color Diagnostics, LLC DBA Color Health
Classification: Uncertain significance for Hereditary cancer-predisposing syndrome. Last evaluated: 2023-12-05. Review status: criteria provided, single submitter. Criteria: ACMG Guidelines, 2015. Collection method: clinical testing. Allele origin: germline.
Comment: This missense variant replaces asparagine with histidine at codon 2134 of the BRCA2 protein. Computational prediction suggests that this variant may not impact protein structure and function (internally defined REVEL score threshold <= 0.5, PMID: 27666373). To our knowledge, functional studies have not been reported for this variant. This variant has not been reported in individuals affected with BRCA2-related disorders in the literature. This variant has been identified in 1/240524 chromosomes in the general population by the Genome Aggregation Database (gnomAD). The available evidence is insufficient to determine the role of this variant in disease conclusively. Therefore, this variant is classified as a Variant of Uncertain Significance.

University of Washington Department of Laboratory Medicine, University of Washington
Classification: Likely benign for Hereditary cancer-predisposing syndrome. Last evaluated: 2023-03-23. Review status: criteria provided, single submitter. Criteria: Dines et al. (Genet Med. 2020). Collection method: curation. Allele origin: germline.
Comment: Missense variant in a coldspot region where missense variants are very unlikely to be pathogenic (PMID:31911673).

BRCA2 exon 11 coldspot. Reclassification based on statistical prior probability.

GeneDx
Classification: Uncertain significance. Last evaluated: 2022-03-22. Review status: criteria provided, single submitter. Criteria: GeneDx Variant Classification Process June 2021. Collection method: clinical testing. Allele origin: germline. Affected: yes.
Comment: Not observed at significant frequency in large population cohorts (gnomAD); In silico analysis supports that this missense variant does not alter protein structure/function; Has not been previously published as pathogenic or benign to our knowledge; Also known as 6628A>C